The following is an entry in ClinVar:

ClinVar aggregate classification (germline): Pathogenic (1 of 4 stars; one submission).

Conditions:
Charcot-Marie-Tooth disease, type I (CMT1). Also called: Charcot-Marie-Tooth disease type 1; Charcot-Marie-Tooth, Type 1. Identifiers: Orphanet 65753, MedGen C0751036, MONDO:0019011.

Submission:

Labcorp Genetics (formerly Invitae), Labcorp
Classification: Pathogenic for Charcot-Marie-Tooth disease, type I. Last evaluated: 2024-05-08. Review status: criteria provided, single submitter. Criteria: Invitae Variant Classification Sherloc (09022015). Collection method: clinical testing. Allele origin: germline.
Comment: This sequence change creates a premature translational stop signal (p.Phe176Serfs*55) in the MPZ gene. While this is not anticipated to result in nonsense mediated decay, it is expected to disrupt the last 73 amino acid(s) of the MPZ protein. This variant is not present in population databases (gnomAD no frequency). This variant has not been reported in the literature in individuals affected with MPZ-related conditions. This variant disrupts a region of the MPZ protein in which other variant(s) (p.Lys236del) have been determined to be pathogenic (PMID: 12207932, 15716547, 29687021, 31173589). This suggests that this is a clinically significant region of the protein, and that variants that disrupt it are likely to be disease-causing. For these reasons, this variant has been classified as Pathogenic.

Literature cited by the submitters: PubMed 12207932; PubMed 15716547; PubMed 29687021; PubMed 31173589.

NM_000530.8(MPZ):c.527_537del (p.Phe176fs)

Gene: MPZ (myelin protein zero; minus strand). Cytogenetic location: 1q23.3.
Variant type: Deletion.
Coding change: c.527_537del on transcript NM_000530.8 (MANE Select); coding-DNA positions 527 to 537, 11 bases deleted (TCTACGTGGTT).
Protein change: p.Phe176fs; shifts the reading frame from phenylalanine 176.
Molecular consequence: frameshift variant.
Genome position (GRCh38, 1-based): chr1:161,306,376-161,306,386, AACCACGTAGA deleted on the plus strand (TCTACGTGGTT on the coding strand, the reverse complement: MPZ is on the minus strand); deleting any 11 consecutive bases within chr1:161,306,376-161,306,388 gives the same sequence; the c. name uses the placement nearest the transcript's 3' end. VCF-style (leftmost placement, unchanged base first): chr1-161306375-GAACCACGTAGA-G. GRCh37 (hg19) VCF-style: chr1-161276165-GAACCACGTAGA-G.
Other names: c.527_537del, p.Phe176fs (NM_001315491.2); short protein forms F176fs.
Identifiers: ClinVar variation 3651974 (VCV003651974.2).